The following is an entry in ClinVar:

ClinVar aggregate classification (germline): Likely pathogenic (1 of 4 stars; one submission).

gnomAD v4.1: 15 of 1,599,342 alleles (0.00094%); highest among the groups gnomAD compares: Non-Finnish European, 0.0013%; no homozygotes.

Submission:

Mayo Clinic Laboratories, Mayo Clinic
Classification: Likely pathogenic. Last evaluated: 2025-09-24. Review status: criteria provided, single submitter. Criteria: ACMG Guidelines, 2015. Collection method: clinical testing. Allele origin: germline. Observed: 1 variant allele.
Comment: PM2_supporting, PS3_supporting, PVS1_strong

Literature cited by the submitters: PubMed 25724378.

NM_006563.5(KLF1):c.89G>A (p.Trp30Ter)

Genes: KLF1 (KLF transcription factor 1; minus strand), LOC117125592 (CRISPRi-FlowFISH-validated CALR, DHPS, JUNB, PRDX2, RAD23A, RNASEH2A and WDR83OS regulatory element; plus strand). Cytogenetic location: 19p13.13.
Variant type: single nucleotide variant.
Coding change: c.89G>A on transcript NM_006563.5 (MANE Select); coding-DNA position 89, G replaced by A.
Protein change: p.Trp30Ter; replaces tryptophan 30 with a stop codon.
Molecular consequence: nonsense.
Genome position (GRCh38, 1-based): chr19:12,886,141, C>T on the plus strand (G>A on the coding strand, the complement: KLF1 is on the minus strand). VCF-style: chr19-12886141-C-T. GRCh37 (hg19) VCF-style: chr19-12996955-C-T.
Other names: p.Trp30*; short protein forms W30*.
Identifiers: ClinVar variation 4542311 (VCV004542311.1).